The following is an entry in ClinVar:

ClinVar aggregate classification (germline): Uncertain significance. Review status: criteria provided, multiple submitters, no conflicts (2 of 4 stars). 6 submissions from 6 submitters: Uncertain significance (6). Last evaluated 2025-09-08.

Conditions:
Familial cancer of breast. Also called: BREAST CANCER, FAMILIAL; Hereditary breast cancer; hereditary breast carcinoma. Identifiers: Orphanet 227535, MedGen C0346153, MONDO:0016419, OMIM 114480. Disease mechanism: loss of function.
Hereditary cancer-predisposing syndrome. Also called: Hereditary neoplastic syndrome; Neoplastic Syndromes, Hereditary; Tumor predisposition; Hereditary Cancer Syndrome. Identifiers: Orphanet 140162, MedGen C0027672, MeSH D009386, MONDO:0015356.
Ataxia-telangiectasia syndrome (AT). Also called: LOUIS-BAR SYNDROME; Cerebello-oculocutaneous telangiectasia; Immunodeficiency with ataxia telangiectasia; AT, COMPLEMENTATION GROUP C; Ataxia-telangiectasia, complementation group D; ATAXIA-TELANGIECTASIA, COMPLEMENTATION GROUP A. Identifiers: Orphanet 100, MedGen C0004135, MONDO:0008840, OMIM 208900.

Submissions (6):

Women's Health and Genetics/Laboratory Corporation of America, LabCorp
Classification: Uncertain significance. Last evaluated: 2025-09-08. Review status: criteria provided, single submitter. Criteria: LabCorp Variant Classification Summary - May 2015. Collection method: clinical testing. Allele origin: germline.

Ambry Genetics
Classification: Uncertain significance for Hereditary cancer-predisposing syndrome. Last evaluated: 2025-09-02. Review status: criteria provided, single submitter. Criteria: Ambry Variant Classification Scheme 2023. Collection method: clinical testing. Allele origin: germline.
Comment: The p.D1848G variant (also known as c.5543A>G), located in coding exon 36 of the ATM gene, results from an A to G substitution at nucleotide position 5543. The aspartic acid at codon 1848 is replaced by glycine, an amino acid with similar properties. This amino acid position is well conserved in available vertebrate species. In addition, this alteration is predicted to be deleterious by in silico analysis. Based on the available evidence, the clinical significance of this variant remains unclear.

Labcorp Genetics (formerly Invitae), Labcorp
Classification: Uncertain significance for Ataxia-telangiectasia syndrome. Last evaluated: 2025-06-29. Review status: criteria provided, single submitter. Criteria: Invitae Variant Classification Sherloc (09022015). Collection method: clinical testing. Allele origin: germline.
Comment: This sequence change replaces aspartic acid, which is acidic and polar, with glycine, which is neutral and non-polar, at codon 1848 of the ATM protein (p.Asp1848Gly). This variant is not present in population databases (gnomAD no frequency). This variant has not been reported in the literature in individuals affected with ATM-related conditions. ClinVar contains an entry for this variant (Variation ID: 485220). Invitae Evidence Modeling of protein sequence and biophysical properties (such as structural, functional, and spatial information, amino acid conservation, physicochemical variation, residue mobility, and thermodynamic stability) indicates that this missense variant is not expected to disrupt ATM protein function with a negative predictive value of 95%. In summary, the available evidence is currently insufficient to determine the role of this variant in disease. Therefore, it has been classified as a Variant of Uncertain Significance.

Baylor Genetics
Classification: Uncertain significance for Familial cancer of breast. Last evaluated: 2023-10-19. Review status: criteria provided, single submitter. Criteria: ACMG Guidelines, 2015. Collection method: clinical testing. Allele origin: unknown.

St. Jude Molecular Pathology, St. Jude Children's Research Hospital
Classification: Uncertain significance for Ataxia-telangiectasia syndrome. Last evaluated: 2021-04-22. Review status: criteria provided, single submitter. Criteria: St. Jude Assertion Criteria 2020. Collection method: clinical testing. Allele origin: germline.
Comment: The ATM c.5543A>G (p.Asp1848Gly) missense change is absent in gnomAD v2.1.1 (PM2_supporting). In silico tools are not in agreement about the effect of this variant on protein function, and to our knowledge functional assays have not been performed. This variant has not been reported in individuals with ataxia telangiectasia or breast cancer (literature review, internal data). In summary, this variant meets criteria to be classified as of uncertain significance based on the ACMG/AMP criteria: PM2.

GeneDx
Classification: Uncertain significance. Last evaluated: 2019-11-20. Review status: criteria provided, single submitter. Criteria: GeneDx Variant Classification Process June 2021. Collection method: clinical testing. Allele origin: germline. Affected: yes.
Comment: Not observed in large population cohorts (Lek 2016); In silico analysis, which includes protein predictors and evolutionary conservation, supports a deleterious effect; Has not been previously published as pathogenic or benign to our knowledge

NM_000051.4(ATM):c.5543A>G (p.Asp1848Gly)

Gene: ATM (ATM serine/threonine kinase; plus strand). Cytogenetic location: 11q22.3.
Variant type: single nucleotide variant.
Coding change: c.5543A>G on transcript NM_000051.4 (MANE Select); coding-DNA position 5543, A replaced by G.
Protein change: p.Asp1848Gly; replaces aspartic acid 1848 with glycine.
Molecular consequence: missense variant.
Genome position (GRCh38, 1-based): chr11:108,304,721, A>G. VCF-style: chr11-108304721-A-G. GRCh37 (hg19) VCF-style: chr11-108175448-A-G.
Other names: c.5543A>G, p.Asp1848Gly (NM_001351834.2); short protein forms D1848G.
Identifiers: ClinVar variation 485220 (VCV000485220.17), dbSNP rs1555107329, ClinGen allele CA382545940.
Genomic context (GRCh38, chr11:108,304,721, plus strand): 5'-TTTGTATATTCTAGGTGAAAACTGACTTTTGTCAGACTGTACTTCCATACTTGATTCATG[A>G]TATTTTACTCCAAGATACAAATGAATCATGGAGAAATCTGCTTTCTACACATGTTCAGGG-3'
Protein context (NP_000042.3, residues 1838-1858): CQTVLPYLIH[Asp1848Gly]ILLQDTNESW